The following is an entry in ClinVar:

ClinVar aggregate classification (germline): Likely pathogenic (1 of 4 stars; one submission).

Conditions:
Chudley-McCullough syndrome (CMCS). Also called: DEAFNESS, SENSORINEURAL, WITH PARTIAL AGENESIS OF THE CORPUS CALLOSUM AND ARACHNOID CYSTS; Deafness, autosomal recessive 82. Identifiers: Orphanet 314597, MedGen C1858695, MONDO:0011411, OMIM 604213.

Submission:

3billion
Classification: Likely pathogenic for Chudley-McCullough syndrome. Last evaluated: 2022-01-03. Review status: criteria provided, single submitter. Criteria: ACMG Guidelines, 2015. Collection method: clinical testing. Allele origin: germline. Affected: yes. Observed: 1 homozygote.
Comment: Canonical splice site: predicted to alter splicing and result in a loss or disruption of normal protein function through protein truncation. Multiple pathogenic variants are reported in the predicted truncated region (PVS1_VS).It is not observed in the gnomAD v2.1.1 dataset (PM2_M). Therefore, this variant is classified as likely pathogenic according to the recommendation of ACMG/AMP guideline.

NM_013296.5(GPSM2):c.1264-1G>T

Gene: GPSM2 (G protein signaling modulator 2; plus strand). Cytogenetic location: 1p13.3.
Variant type: single nucleotide variant.
Coding change: c.1264-1G>T on transcript NM_013296.5 (MANE Select); the canonical splice acceptor site of the intron before coding-DNA position 1264, G replaced by T.
Molecular consequence: splice acceptor variant.
Genome position (GRCh38, 1-based): chr1:108,918,612, G>T. VCF-style: chr1-108918612-G-T. GRCh37 (hg19) VCF-style: chr1-109461234-G-T.
Other names: c.1264-1G>T (NM_001321038.2, NM_001321039.3).
Identifiers: ClinVar variation 1333261 (VCV001333261.1), dbSNP rs2101528079, ClinGen allele CA341469834.
Genomic context (GRCh38, chr1:108,918,612, plus strand): 5'-CAGAAGAGAGCTGGGGATTTGGGGGTGTTTATTCACCTGCCTTCCATTTATAATTTTGTA[G>T]GTACAGAACTGGAACAGTGAAATTCTTGCTAAGCAAAAACCTCTTATTGCCAAACCTTCT-3'